The following is an entry in ClinVar:

ClinVar aggregate classification (germline): Uncertain significance. Review status: criteria provided, multiple submitters, no conflicts (2 of 4 stars). 2 submissions from 2 submitters: Uncertain significance (2). Last evaluated 2025-05-24.

Conditions:
Hereditary pancreatitis (PCTT). Also called: Hereditary chronic pancreatitis; PRSS1-Related Hereditary Pancreatitis. Identifiers: Orphanet 676, MedGen C0238339, MONDO:0008185, OMIM 167800.

Allele frequency attached by ClinVar (database versions not stated): gnomAD exomes 0.00001 and 0.00004; TOPMed 0.00001; ExAC 0.00003.
gnomAD v4.1: 19 of 1,613,882 alleles (0.0012%); highest among the groups gnomAD compares: Admixed American, 0.0067%; no homozygotes.

Submissions (2):

Ambry Genetics
Classification: Uncertain significance for Hereditary pancreatitis. Last evaluated: 2025-05-24. Review status: criteria provided, single submitter. Criteria: Ambry Variant Classification Scheme 2023. Collection method: clinical testing. Allele origin: germline.
Comment: The p.A120T variant (also known as c.358G>A), located in coding exon 3 of the CPA1 gene, results from a G to A substitution at nucleotide position 358. The alanine at codon 120 is replaced by threonine, an amino acid with similar properties. This amino acid position is not well conserved in available vertebrate species, and threonine is the reference amino acid in other vertebrate species. In addition, this alteration is predicted to be tolerated by in silico analysis. Since supporting evidence is limited at this time, the clinical significance of this alteration remains unclear.

Labcorp Genetics (formerly Invitae), Labcorp
Classification: Uncertain significance. Last evaluated: 2023-07-25. Review status: criteria provided, single submitter. Criteria: Invitae Variant Classification Sherloc (09022015). Collection method: clinical testing. Allele origin: germline.
Comment: In summary, the available evidence is currently insufficient to determine the role of this variant in disease. Therefore, it has been classified as a Variant of Uncertain Significance. This sequence change replaces alanine, which is neutral and non-polar, with threonine, which is neutral and polar, at codon 120 of the CPA1 protein (p.Ala120Thr). This variant is present in population databases (rs782250540, gnomAD 0.01%). This variant has not been reported in the literature in individuals affected with CPA1-related conditions. ClinVar contains an entry for this variant (Variation ID: 823963). Advanced modeling of protein sequence and biophysical properties (such as structural, functional, and spatial information, amino acid conservation, physicochemical variation, residue mobility, and thermodynamic stability) performed at Invitae indicates that this missense variant is not expected to disrupt CPA1 protein function.

NM_001868.4(CPA1):c.358G>A (p.Ala120Thr)

Gene: CPA1 (carboxypeptidase A1; plus strand). Cytogenetic location: 7q32.2.
Variant type: single nucleotide variant.
Coding change: c.358G>A on transcript NM_001868.4 (MANE Select); coding-DNA position 358, G replaced by A.
Protein change: p.Ala120Thr; replaces alanine 120 with threonine.
Molecular consequence: missense variant.
Genome position (GRCh38, 1-based): chr7:130,381,840, G>A. VCF-style: chr7-130381840-G-A. GRCh37 (hg19) VCF-style: chr7-130021681-G-A.
Other names: short protein forms A120T.
Identifiers: ClinVar variation 823963 (VCV000823963.16), dbSNP rs782250540, ClinGen allele CA4484765.